The following is an entry in ClinVar:

ClinVar aggregate classification (germline): Uncertain significance (1 of 4 stars; one submission).

Allele frequency attached by ClinVar (database versions not stated): gnomAD 0.00002 and 0.00003; ExAC 0.00003; TOPMed 0.00003; 1000 Genomes Project 30x 0.00016; 1000 Genomes Project 0.00020.
gnomAD v4.1: 46 of 1,610,422 alleles (0.0029%); highest among the groups gnomAD compares: African/African-American, 0.0053%; no homozygotes.

Submission:

Labcorp Genetics (formerly Invitae), Labcorp
Classification: Uncertain significance. Last evaluated: 2023-08-28. Review status: criteria provided, single submitter. Criteria: Invitae Variant Classification Sherloc (09022015). Collection method: clinical testing. Allele origin: germline.
Comment: In summary, the available evidence is currently insufficient to determine the role of this variant in disease. Therefore, it has been classified as a Variant of Uncertain Significance. ClinVar contains an entry for this variant (Variation ID: 631988). This premature translational stop signal has been observed in individual(s) with autosomal dominant retinitis pigmentosa (PMID: 33090715). This variant is present in population databases (rs528476500, gnomAD 0.01%). This sequence change creates a premature translational stop signal (p.Arg1691*) in the RIMS1 gene. While this is not anticipated to result in nonsense mediated decay, it is expected to disrupt the last 2 amino acid(s) of the RIMS1 protein.

Literature cited by the submitters: PubMed 33090715.

NM_014989.7(RIMS1):c.5071C>T (p.Arg1691Ter)

Gene: RIMS1 (regulating synaptic membrane exocytosis 1; plus strand). Cytogenetic location: 6q13.
Variant type: single nucleotide variant.
Coding change: c.5071C>T on transcript NM_014989.7 (MANE Select); coding-DNA position 5071, C replaced by T.
Protein change: p.Arg1691Ter; replaces arginine 1691 with a stop codon.
Molecular consequence: nonsense.
Genome position (GRCh38, 1-based): chr6:72,400,706, C>T. VCF-style: chr6-72400706-C-T. GRCh37 (hg19) VCF-style: chr6-73110408-C-T.
Other names: c.2446C>T, p.Arg816Ter (NM_001168408.2, NM_001350430.2); c.2275C>T, p.Arg759Ter (NM_001168409.2); c.2473C>T, p.Arg825Ter (NM_001168410.2); c.652C>T, p.Arg218Ter (NM_001168411.2); c.2992C>T, p.Arg998Ter (NM_001350414.2); c.3088C>T, p.Arg1030Ter (NM_001350415.2); c.3037C>T, p.Arg1013Ter (NM_001350416.2); c.2518C>T, p.Arg840Ter (NM_001350417.2); and 54 more; short protein forms R1691*, R1026*, R1073*, R218*, R789*, R801*, R816*, R817*.
Identifiers: ClinVar variation 631988 (VCV000631988.7), dbSNP rs528476500, ClinGen allele CA3886654.
Genomic context (GRCh38, chr6:72,400,706, plus strand): 5'-CCCCTCACCCGGCGGGCTTCCCAGTCATCTCTGGAAAGTTCAACTGGGCCTCCCTGTATT[C>T]GATCATAGTGAACTCATACCAGAGTCATTCCAATAAAACTCTACTTTTCAGGATAATAAT-3'